The following is an entry in ClinVar:

NM_203486.3(DLL3):c.343G>A (p.Ala115Thr)

Gene: DLL3 (delta like canonical Notch ligand 3; plus strand). Cytogenetic location: 19q13.2.
Variant type: single nucleotide variant.
Coding change: c.343G>A on transcript NM_203486.3 (MANE Select); coding-DNA position 343, G replaced by A.
Protein change: p.Ala115Thr; replaces alanine 115 with threonine.
Molecular consequence: missense variant.
Genome position (GRCh38, 1-based): chr19:39,499,465, G>A. VCF-style: chr19-39499465-G-A. GRCh37 (hg19) VCF-style: chr19-39990105-G-A.
Other names: c.343G>A, p.Ala115Thr (NM_016941.4); short protein forms A115T.
Identifiers: ClinVar variation 893300 (VCV000893300.4), dbSNP rs71647811, ClinGen allele CA308249298.

ClinVar aggregate classification (germline): Uncertain significance. Review status: criteria provided, single submitter (1 of 4 stars). 2 submissions from 1 submitter: Uncertain significance (2). Last evaluated 2017-04-27.

Conditions:
Syndactyly. Also called: Webbed fingers or toes. Identifiers: MedGen C0039075, MONDO:0021002, HP:0001159.
Spondylocostal dysostosis 1, autosomal recessive (SCDO1). Also called: DLL3-Related Spondylocostal Dysostosis, Autosomal Recessive. Identifiers: Orphanet 2311, MedGen CN032975, MONDO:0020692, OMIM 277300.

Allele frequency attached by ClinVar (database versions not stated): gnomAD exomes 0.00001.
gnomAD v4.1: 10 of 1,589,836 alleles (0.00063%); highest among the groups gnomAD compares: Non-Finnish European, 0.00085%; no homozygotes.

Submissions (2):

Illumina Laboratory Services, Illumina
Classification: Uncertain significance for Non-syndromic syndactyly. Last evaluated: 2017-04-27. Review status: criteria provided, single submitter. Criteria: ICSL Variant Classification Criteria 13 December 2019. Collection method: clinical testing. Allele origin: germline.

Illumina Laboratory Services, Illumina
Classification: Uncertain significance for Spondylocostal dysostosis 1, autosomal recessive. Last evaluated: 2017-04-27. Review status: criteria provided, single submitter. Criteria: ICSL Variant Classification Criteria 13 December 2019. Collection method: clinical testing. Allele origin: germline.
Comment: This variant was observed as part of a predisposition screen in an ostensibly healthy population. A literature search was performed for the gene, cDNA change, and amino acid change (where applicable). Publications were found based on this search. However, the evidence from the literature, in combination with allele frequency data from public databases where available, was not sufficient to rule this variant in or out of causing disease. Therefore, this variant is classified as a variant of unknown significance.

Literature cited by the submitters: PubMed 18485326.